The following is an entry in ClinVar:

NM_201384.3(PLEC):c.3176C>A (p.Ala1059Glu)

Gene: PLEC (plectin; minus strand). Cytogenetic location: 8q24.3.
Variant type: single nucleotide variant.
Coding change: c.3176C>A on transcript NM_201384.3 (MANE Select); coding-DNA position 3176, C replaced by A.
Protein change: p.Ala1059Glu; replaces alanine 1059 with glutamic acid.
Molecular consequence: missense variant.
Genome position (GRCh38, 1-based): chr8:143,929,187, G>T on the plus strand (C>A on the coding strand, the complement: PLEC is on the minus strand). VCF-style: chr8-143929187-G-T. GRCh37 (hg19) VCF-style: chr8-145003355-G-T.
Other names: c.3257C>A, p.Ala1086Glu (NM_000445.5); c.3134C>A, p.Ala1045Glu (NM_201378.4); c.3110C>A, p.Ala1037Glu (NM_201379.3); c.3587C>A, p.Ala1196Glu (NM_201380.4); c.3080C>A, p.Ala1027Glu (NM_201381.3); c.3176C>A, p.Ala1059Glu (NM_201382.4); c.3188C>A, p.Ala1063Glu (NM_201383.3); short protein forms A1027E, A1059E, A1086E, A1196E, A1063E, A1045E, A1037E.
Identifiers: ClinVar variation 1038193 (VCV001038193.5), dbSNP rs529986115, ClinGen allele CA4927183.
Genomic context (GRCh38, chr8:143,929,187, plus strand): 5'-CTGCGGACCTGCTCCAGCTTGCCCAGCGTCAGCTCCAGCTCCGAGCGCAGCGTGGGGGCC[G>T]CAGGCGATGGCTCTGGTAGGGCCAAGACCTTCTCGGCCTCGGCAGAGAGCCGGGCGACCC-3'
Protein context (NP_958786.1, residues 1049-1069): KVLALPEPSP[Ala1059Glu]APTLRSELEL

ClinVar aggregate classification (germline): Uncertain significance (1 of 4 stars; one submission).

Conditions:
Epidermolysis bullosa simplex 5C, with pyloric atresia (EBS5C). Also called: PLEC1-Related Epidermolysis Bullosa with Pyloric Atresia; Epidermolysis bullosa simplex with pyloric atresia; PLEC-Related Epidermolysis Bullosa with Pyloric Atresia. Identifiers: Orphanet 158684, MedGen C2677349, MONDO:0012807, OMIM 612138.
Epidermolysis bullosa simplex 5B, with muscular dystrophy (EBS5B). Also called: EPIDERMOLYSIS BULLOSA SIMPLEX AND LIMB-GIRDLE MUSCULAR DYSTROPHY; Epidermolysis bullosa simplex with muscular dystrophy. Identifiers: Orphanet 257, MedGen C2931072, MONDO:0009181, OMIM 226670.
Epidermolysis bullosa simplex with nail dystrophy (EBS5D). Identifiers: MedGen C4225309, MONDO:0014661, OMIM 616487.
Epidermolysis bullosa simplex, Ogna type (EBS5A). Also called: Pidermolysis bullosa simplex 5A, Ogna type; EPIDERMOLYSIS BULLOSA SIMPLEX 5A, OGNA TYPE. Identifiers: Orphanet 79401, MedGen C0432317, MONDO:0007555, OMIM 131950.
Autosomal recessive limb-girdle muscular dystrophy type 2Q (LGMDR17). Also called: MUSCULAR DYSTROPHY, LIMB-GIRDLE, AUTOSOMAL RECESSIVE 17. Identifiers: Orphanet 254361, MedGen C3150989, MONDO:0013390, OMIM 613723.

Submission:

Labcorp Genetics (formerly Invitae), Labcorp
Classification: Uncertain significance for Autosomal recessive limb-girdle muscular dystrophy type 2Q; Epidermolysis bullosa simplex, Ogna type; Epidermolysis bullosa simplex with nail dystrophy; Epidermolysis bullosa simplex 5C, with pyloric atresia; Epidermolysis bullosa simplex 5B, with muscular dystrophy. Last evaluated: 2022-07-12. Review status: criteria provided, single submitter. Criteria: Invitae Variant Classification Sherloc (09022015). Collection method: clinical testing. Allele origin: germline.
Comment: This sequence change replaces alanine, which is neutral and non-polar, with glutamic acid, which is acidic and polar, at codon 1086 of the PLEC protein (p.Ala1086Glu). The frequency data for this variant in the population databases is considered unreliable, as metrics indicate poor data quality at this position in the gnomAD database. This variant has not been reported in the literature in individuals affected with PLEC-related conditions. ClinVar contains an entry for this variant (Variation ID: 1038193). Algorithms developed to predict the effect of missense changes on protein structure and function are either unavailable or do not agree on the potential impact of this missense change (SIFT: "Deleterious"; PolyPhen-2: "Not Available"; Align-GVGD: "Class C0"). In summary, the available evidence is currently insufficient to determine the role of this variant in disease. Therefore, it has been classified as a Variant of Uncertain Significance.